The following is an entry in ClinVar:

NM_201384.3(PLEC):c.8391C>T (p.Ile2797=)

Gene: PLEC (plectin; minus strand). Cytogenetic location: 8q24.3.
Variant type: single nucleotide variant.
Coding change: c.8391C>T on transcript NM_201384.3 (MANE Select); coding-DNA position 8391, C replaced by T.
Protein change: p.Ile2797=; no amino-acid change (isoleucine 2797 retained).
Molecular consequence: synonymous variant.
Genome position (GRCh38, 1-based): chr8:143,921,430, G>A on the plus strand (C>T on the coding strand, the complement: PLEC is on the minus strand). VCF-style: chr8-143921430-G-A. GRCh37 (hg19) VCF-style: chr8-144995598-G-A.
Other names: c.8472C>T, p.Ile2824= (NM_000445.5); c.8349C>T, p.Ile2783= (NM_201378.4); c.8325C>T, p.Ile2775= (NM_201379.3); c.8802C>T, p.Ile2934= (NM_201380.4); c.8295C>T, p.Ile2765= (NM_201381.3); c.8391C>T, p.Ile2797= (NM_201382.4); c.8403C>T, p.Ile2801= (NM_201383.3).
Identifiers: ClinVar variation 592808 (VCV000592808.16), dbSNP rs200289312, ClinGen allele CA4925334.
Genomic context (GRCh38, chr8:143,921,430, plus strand): 5'-GTCGATAACGCCGCCCGTGGCGATCTGGGCCTCCAGCAGGCGGATGCCGTGCTCCCGGAC[G>A]ATGAGGCCCTTCTGCATGGCTTGGAAGAGAGAGATCTGCTGGCCAGTGTAGGGGTCCTTG-3'
Protein context (NP_958786.1, residues 2787-2807): SLFQAMQKGL[Ile2797=]VREHGIRLLE

ClinVar aggregate classification (germline): Conflicting classifications of pathogenicity. Review status: criteria provided, conflicting classifications (1 of 4 stars). 4 submissions from 4 submitters: Uncertain significance (1); Likely benign (3). Last evaluated 2025-11-03.

Conditions:
PLEC-related disorder. Also called: PLEC-related disorders; PLEC-related condition.
Epidermolysis bullosa simplex 5C, with pyloric atresia (EBS5C). Also called: PLEC-Related Epidermolysis Bullosa with Pyloric Atresia; PLEC1-Related Epidermolysis Bullosa with Pyloric Atresia; Epidermolysis bullosa simplex with pyloric atresia. Identifiers: Orphanet 158684, MedGen C2677349, MONDO:0012807, OMIM 612138.
Epidermolysis bullosa simplex, Ogna type (EBS5A). Also called: Pidermolysis bullosa simplex 5A, Ogna type; EPIDERMOLYSIS BULLOSA SIMPLEX 5A, OGNA TYPE. Identifiers: Orphanet 79401, MedGen C0432317, MONDO:0007555, OMIM 131950.
Epidermolysis bullosa simplex 5B, with muscular dystrophy (EBS5B). Also called: Epidermolysis bullosa simplex with muscular dystrophy; EPIDERMOLYSIS BULLOSA SIMPLEX AND LIMB-GIRDLE MUSCULAR DYSTROPHY. Identifiers: Orphanet 257, MedGen C2931072, MONDO:0009181, OMIM 226670.
Epidermolysis bullosa simplex with nail dystrophy (EBS5D). Identifiers: MedGen C4225309, MONDO:0014661, OMIM 616487.
Autosomal recessive limb-girdle muscular dystrophy type 2Q (LGMDR17). Also called: MUSCULAR DYSTROPHY, LIMB-GIRDLE, AUTOSOMAL RECESSIVE 17. Identifiers: Orphanet 254361, MedGen C3150989, MONDO:0013390, OMIM 613723.

Allele frequency attached by ClinVar (database versions not stated): gnomAD exomes 0.00012; ExAC 0.00014; ESP Exome Variant Server 0.00016; gnomAD 0.00017 and 0.00019; TOPMed 0.00017.
gnomAD v4.1: 330 of 1,613,252 alleles (0.02%); highest among the groups gnomAD compares: African/African-American, 0.028%; no homozygotes.

Submissions (4):

Labcorp Genetics (formerly Invitae), Labcorp
Classification: Likely benign for Autosomal recessive limb-girdle muscular dystrophy type 2Q; Epidermolysis bullosa simplex, Ogna type; Epidermolysis bullosa simplex with nail dystrophy; Epidermolysis bullosa simplex 5C, with pyloric atresia; Epidermolysis bullosa simplex 5B, with muscular dystrophy. Last evaluated: 2025-11-03. Review status: criteria provided, single submitter. Criteria: Invitae Variant Classification Sherloc (09022015). Collection method: clinical testing. Allele origin: germline.

PreventionGenetics, part of Exact Sciences
Classification: Likely benign for PLEC-related condition. Last evaluated: 2024-10-27. Review status: criteria provided, single submitter. Criteria: ACMG Guidelines, 2015. Collection method: clinical testing. Allele origin: germline.
Comment: This variant is classified as likely benign based on ACMG/AMP sequence variant interpretation guidelines (Richards et al. 2015 PMID: 25741868, with internal and published modifications).

Blueprint Genetics
Classification: Likely benign. Last evaluated: 2024-09-26. Review status: criteria provided, single submitter. Criteria: ACMG Guidelines, 2015. Collection method: clinical testing. Allele origin: germline.

Eurofins Ntd Llc (ga)
Classification: Uncertain significance. Last evaluated: 2018-01-04. Review status: criteria provided, single submitter. Criteria: EGL Classification Definitions 2015. Collection method: clinical testing. Allele origin: germline. Observed: 3 variant alleles, 3 heterozygotes.